The following is an entry in ClinVar:

ClinVar aggregate classification (germline): Conflicting classifications of pathogenicity. Review status: criteria provided, conflicting classifications (1 of 4 stars). 5 submissions from 5 submitters: Pathogenic (1); Likely pathogenic (1); Uncertain significance (3). Last evaluated 2025-01-28.

Conditions:
Retinitis pigmentosa 80 (RP80). Identifiers: MedGen C4540439, MONDO:0054708, OMIM 617781.
Saldino-Mainzer syndrome (SRTD9). Also called: short-rib thoracic dysplasia 9 with or without polydactyly; CONORENAL SYNDROME; Renal dysplasia, retinal pigmentary dystrophy, cerebellar ataxia and skeletal dysplasia; SHORT-RIB THORACIC DYSPLASIA 9 WITHOUT POLYDACTYLY. Identifiers: Orphanet 140969, MedGen C1849437, MONDO:0009964, OMIM 266920.

Allele frequency attached by ClinVar (database versions not stated): gnomAD exomes below 0.00001 and 0.00001.
gnomAD v4.1: 3 of 1,612,278 alleles (0.00019%); highest among the groups gnomAD compares: Admixed American, 0.0033%; no homozygotes.

Submissions (5):

Women's Health and Genetics/Laboratory Corporation of America, LabCorp
Classification: Uncertain significance. Last evaluated: 2025-01-28. Review status: criteria provided, single submitter. Criteria: LabCorp Variant Classification Summary - May 2015. Collection method: clinical testing. Allele origin: germline.
Comment: Variant summary: IFT140 c.975G>T (p.Glu325Asp) results in a conservative amino acid change in the encoded protein sequence. Four of five in-silico tools predict a benign effect of the variant on protein function. The variant allele was found at a frequency of 8e-06 in 251416 control chromosomes (gnomAD). The available data on variant occurrences in the general population are insufficient to allow any conclusion about variant significance. c.975G>T has been reported in the literature in individuals affected with Nephronophthisis-related ciliopathies or Inherited retinal diseases (Bullich_2018, Domingo-Gallego_2021, Karali_2022). These data do not allow any conclusion about variant significance. To our knowledge, no experimental evidence demonstrating an impact on protein function has been reported. The following publications have been ascertained in the context of this evaluation (PMID: 29801666, 33532864, 36460718). ClinVar contains an entry for this variant (Variation ID: 974394). Based on the evidence outlined above, the variant was classified as uncertain significance.

Labcorp Genetics (formerly Invitae), Labcorp
Classification: Uncertain significance for Saldino-Mainzer syndrome. Last evaluated: 2023-09-29. Review status: criteria provided, single submitter. Criteria: Invitae Variant Classification Sherloc (09022015). Collection method: clinical testing. Allele origin: germline.
Comment: This missense change has been observed in individual(s) with IFT140-related conditions (PMID: 29801666). This variant is present in population databases (no rsID available, gnomAD 0.006%). This sequence change replaces glutamic acid, which is acidic and polar, with aspartic acid, which is acidic and polar, at codon 325 of the IFT140 protein (p.Glu325Asp). ClinVar contains an entry for this variant (Variation ID: 974394). In summary, the available evidence is currently insufficient to determine the role of this variant in disease. Therefore, it has been classified as a Variant of Uncertain Significance. Advanced modeling of protein sequence and biophysical properties (such as structural, functional, and spatial information, amino acid conservation, physicochemical variation, residue mobility, and thermodynamic stability) performed at Invitae indicates that this missense variant is not expected to disrupt IFT140 protein function.

Molecular Biology Laboratory, Fundació Puigvert
Classification: Pathogenic for Saldino-Mainzer syndrome. Last evaluated: 2020-02-01. Review status: criteria provided, single submitter. Criteria: ACMG Guidelines, 2015. Collection method: research. Allele origin: germline. Affected: yes. Study: KidneyPanel_2020.

GeneDx
Classification: Uncertain significance. Last evaluated: 2019-07-17. Review status: criteria provided, single submitter. Criteria: GeneDx Variant Classification Process June 2021. Collection method: clinical testing. Allele origin: germline. Affected: yes.
Comment: In silico analysis, which includes protein predictors and evolutionary conservation, supports that this variant does not alter protein structure/function; This variant is associated with the following publications: (PMID: 29801666)

Clinical Genetics Service, Universitary Hospital 12 de Octubre
Classification: Likely pathogenic for Retinitis pigmentosa 80. Review status: criteria provided, single submitter. Criteria: ACMG Guidelines, 2015. Collection method: clinical testing. Allele origin: germline. Affected: yes.

Literature cited by the submitters: PubMed 29801666 (cited by Women's Health and Genetics/Laboratory Corporation of America, LabCorp and Labcorp Genetics (formerly Invitae), Labcorp); PubMed 33532864 (cited by Women's Health and Genetics/Laboratory Corporation of America, LabCorp and Molecular Biology Laboratory, Fundació Puigvert); PubMed 36460718 (cited by Women's Health and Genetics/Laboratory Corporation of America, LabCorp).

NM_014714.4(IFT140):c.975G>T (p.Glu325Asp)

Genes: IFT140 (intraflagellar transport 140; minus strand), LOC105371046 (uncharacterized LOC105371046; plus strand). Cytogenetic location: 16p13.3.
Variant type: single nucleotide variant.
Coding change: c.975G>T on transcript NM_014714.4 (MANE Select); coding-DNA position 975, G replaced by T.
Protein change: p.Glu325Asp; replaces glutamic acid 325 with aspartic acid.
Molecular consequence: missense variant.
Genome position (GRCh38, 1-based): chr16:1,587,232, C>A on the plus strand (G>T on the coding strand, the complement: IFT140 is on the minus strand). VCF-style: chr16-1587232-C-A. GRCh37 (hg19) VCF-style: chr16-1637233-C-A.
Other names: c.975G>T (NM_014714.3); short protein forms E325D.
Identifiers: ClinVar variation 974394 (VCV000974394.8), dbSNP rs1330112951, ClinGen allele CA394216771.